The following is an entry in ClinVar:

NM_001103.4(ACTN2):c.2213T>A (p.Val738Glu)

Gene: ACTN2 (actinin alpha 2; plus strand). Cytogenetic location: 1q43.
Variant type: single nucleotide variant.
Coding change: c.2213T>A on transcript NM_001103.4 (MANE Select); coding-DNA position 2213, T replaced by A.
Protein change: p.Val738Glu; replaces valine 738 with glutamic acid.
Molecular consequence: missense variant. On other transcripts: non-coding transcript variant (1).
Genome position (GRCh38, 1-based): chr1:236,757,544, T>A. VCF-style: chr1-236757544-T-A. GRCh37 (hg19) VCF-style: chr1-236920844-T-A.
Other names: c.2213T>A, p.Val738Glu (NM_001278343.2); short protein forms V738E.
Identifiers: ClinVar variation 5041497 (VCV005041497.1).

ClinVar aggregate classification (germline): Uncertain significance (1 of 4 stars; one submission).

gnomAD v4.1: 1 of 1,613,970 alleles (0.000062%); highest among the groups gnomAD compares: Non-Finnish European, 0.000085%; no homozygotes.

Submission:

CeGaT Center for Human Genetics Tuebingen
Classification: Uncertain significance. Last evaluated: 2026-09-01. Review status: criteria provided, single submitter. Criteria: CeGaT Center For Human Genetics Tuebingen Variant Classification Criteria Version 2. Collection method: clinical testing. Allele origin: germline. Affected: yes. Observed: 1 variant allele.
Comment: ACTN2: PM2